The following is an entry in ClinVar:

NM_015158.5(KANK1):c.2018C>G (p.Thr673Ser)

Gene: KANK1 (KN motif and ankyrin repeat domains 1; plus strand). Cytogenetic location: 9p24.3.
Variant type: single nucleotide variant.
Coding change: c.2018C>G on transcript NM_015158.5 (MANE Select); coding-DNA position 2018, C replaced by G.
Protein change: p.Thr673Ser; replaces threonine 673 with serine.
Molecular consequence: missense variant. On other transcripts: non-coding transcript variant (1).
Genome position (GRCh38, 1-based): chr9:712,784, C>G. VCF-style: chr9-712784-C-G. GRCh37 (hg19) VCF-style: chr9-712784-C-G.
Other names: c.2018C>G, p.Thr673Ser (NM_001256877.3, NM_001354331.2, NM_001354332.2 and 2 more transcripts); c.1544C>G, p.Thr515Ser (NM_001354333.2, NM_001354335.2, NM_001354336.2 and 9 more transcripts); c.2018C>G (NM_015158.3); short protein forms T515S, T673S.
Identifiers: ClinVar variation 1391427 (VCV001391427.15), dbSNP rs144505189, ClinGen allele CA4960395.

ClinVar aggregate classification (germline): Conflicting classifications of pathogenicity. Review status: criteria provided, conflicting classifications (1 of 4 stars). 3 submissions from 3 submitters: Uncertain significance (1); Likely benign (2). Last evaluated 2026-08-19.

Conditions:
KANK1-related disorder. Also called: KANK1-related condition.

Allele frequency attached by ClinVar (database versions not stated): ESP Exome Variant Server 0.00077; 1000 Genomes Project 0.00080; gnomAD 0.00082 and 0.00083; ExAC 0.00091; 1000 Genomes Project 30x 0.00094; TOPMed 0.00104.
gnomAD v4.1: 1,603 of 1,613,908 alleles (0.099%); highest among the groups gnomAD compares: Non-Finnish European, 0.12%; 2 homozygotes.

Submissions (3):

PreventionGenetics, part of Exact Sciences
Classification: Likely benign for KANK1-related condition. Last evaluated: 2026-08-19. Review status: criteria provided, single submitter. Criteria: ACMG Guidelines, 2015. Collection method: clinical testing. Allele origin: germline.
Comment: This variant is classified as likely benign based on ACMG/AMP sequence variant interpretation guidelines (Richards et al. 2015 PMID: 25741868, with internal and published modifications).

Labcorp Genetics (formerly Invitae), Labcorp
Classification: Uncertain significance. Last evaluated: 2026-01-05. Review status: criteria provided, single submitter. Criteria: Invitae Variant Classification Sherloc (09022015). Collection method: clinical testing. Allele origin: germline.
Comment: This sequence change replaces threonine, which is neutral and polar, with serine, which is neutral and polar, at codon 673 of the KANK1 protein (p.Thr673Ser). This variant is present in population databases (rs144505189, gnomAD 0.1%), and has an allele count higher than expected for a pathogenic variant. This variant has not been reported in the literature in individuals affected with KANK1-related conditions. ClinVar contains an entry for this variant (Variation ID: 1391427). Invitae Evidence Modeling of protein sequence and biophysical properties (such as structural, functional, and spatial information, amino acid conservation, physicochemical variation, residue mobility, and thermodynamic stability) indicates that this missense variant is not expected to disrupt KANK1 protein function with a negative predictive value of 80%. In summary, the available evidence is currently insufficient to determine the role of this variant in disease. Therefore, it has been classified as a Variant of Uncertain Significance.

CeGaT Center for Human Genetics Tuebingen
Classification: Likely benign. Last evaluated: 2025-10-01. Review status: criteria provided, single submitter. Criteria: CeGaT Center For Human Genetics Tuebingen Variant Classification Criteria Version 2. Collection method: clinical testing. Allele origin: germline. Affected: yes. Observed: 1 variant allele.
Comment: KANK1: BP4